The following is an entry in ClinVar:

ClinVar aggregate classification (germline): Uncertain significance (1 of 4 stars; one submission).

Allele frequency attached by ClinVar (database versions not stated): TOPMed below 0.00001; ExAC 0.00001; gnomAD exomes 0.00001.
gnomAD v4.1: 8 of 1,596,644 alleles (0.0005%); highest among the groups gnomAD compares: South Asian, 0.0066%; no homozygotes.

Submission:

Labcorp Genetics (formerly Invitae), Labcorp
Classification: Uncertain significance. Last evaluated: 2022-03-20. Review status: criteria provided, single submitter. Criteria: Invitae Variant Classification Sherloc (09022015). Collection method: clinical testing. Allele origin: germline.
Comment: This variant has not been reported in the literature in individuals affected with FARSB-related conditions. Algorithms developed to predict the effect of missense changes on protein structure and function output the following: SIFT: "Tolerated"; PolyPhen-2: "Benign"; Align-GVGD: "Class C0". The valine amino acid residue is found in multiple mammalian species, which suggests that this missense change does not adversely affect protein function. In summary, the available evidence is currently insufficient to determine the role of this variant in disease. Therefore, it has been classified as a Variant of Uncertain Significance. This sequence change replaces isoleucine, which is neutral and non-polar, with valine, which is neutral and non-polar, at codon 480 of the FARSB protein (p.Ile480Val). This variant is present in population databases (rs764720008, gnomAD 0.01%).

NM_005687.5(FARSB):c.1438A>G (p.Ile480Val)

Gene: FARSB (phenylalanyl-tRNA synthetase subunit beta; minus strand). Cytogenetic location: 2q36.1.
Variant type: single nucleotide variant.
Coding change: c.1438A>G on transcript NM_005687.5 (MANE Select); coding-DNA position 1438, A replaced by G.
Protein change: p.Ile480Val; replaces isoleucine 480 with valine.
Molecular consequence: missense variant. On other transcripts: non-coding transcript variant (1).
Genome position (GRCh38, 1-based): chr2:222,613,835, T>C on the plus strand (A>G on the coding strand, the complement: FARSB is on the minus strand). VCF-style: chr2-222613835-T-C. GRCh37 (hg19) VCF-style: chr2-223478554-T-C.
Other names: short protein forms I480V.
Identifiers: ClinVar variation 1482819 (VCV001482819.6), dbSNP rs764720008, ClinGen allele CA2136350.
Genomic context (GRCh38, chr2:222,613,835, plus strand): 5'-AATACACAAATCAAATCAAAGGTGACTTATTCTTACCTGTATTAGAATCTTTTATTACAA[T>C]GTCAGAGATTTCAAACAGTTTCAGTGGAAGGGGCATCTTACGATTTGCTGCTATGGTCTT-3'
Protein context (NP_005678.3, residues 470-490): LPLKLFEISD[Ile480Val]VIKDSNTDVG